The following is an entry in ClinVar:

ClinVar aggregate classification (germline): Uncertain significance. Review status: criteria provided, single submitter (1 of 4 stars). 2 submissions from 2 submitters: Uncertain significance (1). 1 of the submissions does not count toward it. Last evaluated 2022-10-04.

Conditions:
Familial dysautonomia. Also called: HSAN III; FD. Identifiers: Orphanet 1764, MedGen C0013364, MONDO:0009131, OMIM 223900. Disease mechanism: loss of function.

Allele frequency attached by ClinVar (database versions not stated): gnomAD exomes below 0.00001; TOPMed below 0.00001; gnomAD 0.00001.
gnomAD v4.1: 5 of 1,613,998 alleles (0.00031%); highest among the groups gnomAD compares: Non-Finnish European, 0.00042%; no homozygotes.

Submissions (2):

Labcorp Genetics (formerly Invitae), Labcorp
Classification: Uncertain significance. Last evaluated: 2022-10-04. Review status: criteria provided, single submitter. Criteria: Invitae Variant Classification Sherloc (09022015). Collection method: clinical testing. Allele origin: germline.
Comment: In summary, the available evidence is currently insufficient to determine the role of this variant in disease. Therefore, it has been classified as a Variant of Uncertain Significance. Advanced modeling of protein sequence and biophysical properties (such as structural, functional, and spatial information, amino acid conservation, physicochemical variation, residue mobility, and thermodynamic stability) performed at Invitae indicates that this missense variant is not expected to disrupt ELP1 protein function. ClinVar contains an entry for this variant (Variation ID: 959298). This variant has not been reported in the literature in individuals affected with ELP1-related conditions. This variant is present in population databases (no rsID available, gnomAD 0.007%). This sequence change replaces isoleucine, which is neutral and non-polar, with valine, which is neutral and non-polar, at codon 15 of the ELP1 protein (p.Ile15Val).

Natera, Inc.
Classification: Uncertain significance for Familial dysautonomia. Last evaluated: 2018-10-30. Review status: no assertion criteria provided. Collection method: clinical testing. Allele origin: germline. Not counted in ClinVar's aggregate classification.

NM_003640.5(ELP1):c.43A>G (p.Ile15Val)

Gene: ELP1 (elongator acetyltransferase complex subunit 1; minus strand). Cytogenetic location: 9q31.3.
Variant type: single nucleotide variant.
Coding change: c.43A>G on transcript NM_003640.5 (MANE Select); coding-DNA position 43, A replaced by G.
Protein change: p.Ile15Val; replaces isoleucine 15 with valine.
Molecular consequence: missense variant. On other transcripts: 5 prime UTR variant (1), intron variant (1).
Genome position (GRCh38, 1-based): chr9:108,931,104, T>C on the plus strand (A>G on the coding strand, the complement: ELP1 is on the minus strand). VCF-style: chr9-108931104-T-C. GRCh37 (hg19) VCF-style: chr9-111693384-T-C.
Other names: c.-817A>G (NM_001330749.2); c.-252-48A>G (NM_001318360.2); short protein forms I15V.
Identifiers: ClinVar variation 959298 (VCV000959298.11), dbSNP rs1250977761, ClinGen allele CA374395200.
Genomic context (GRCh38, chr9:108,931,104, plus strand): 5'-TGAGCACCGTCCCCTGTTCAGTTCGGAGAGAGAAGCACTGAGGATTCCCTGGACCTTGAA[T>C]ATCCCTGAACTCCAGGGTCCGAAATAATTTCAGATTTCGCATGATGAAGTGATTCCCACG-3'
Protein context (NP_003631.2, residues 5-25): KLFRTLEFRD[Ile15Val]QGPGNPQCFS